The following is an entry in ClinVar:

NM_005015.5(OXA1L):c.1102+9T>C

Gene: OXA1L (OXA1L mitochondrial inner membrane insertase; plus strand). Cytogenetic location: 14q11.2.
Variant type: single nucleotide variant.
Coding change: c.1102+9T>C on transcript NM_005015.5 (MANE Select); 9 bases into the intron after coding-DNA position 1102, T replaced by C.
Molecular consequence: intron variant.
Genome position (GRCh38, 1-based): chr14:22,771,189, T>C. VCF-style: chr14-22771189-T-C. GRCh37 (hg19) VCF-style: chr14-23240398-T-C.
Identifiers: ClinVar variation 4980721 (VCV004980721.1).

ClinVar aggregate classification (germline): Likely benign (1 of 4 stars; one submission).

Conditions:
OXA1L-related disorder. Also called: OXA1L-related condition.

Submission:

PreventionGenetics, part of Exact Sciences
Classification: Likely benign for OXA1L-related condition. Last evaluated: 2026-06-16. Review status: criteria provided, single submitter. Criteria: ACMG Guidelines, 2015. Collection method: clinical testing. Allele origin: germline.
Comment: This variant is classified as likely benign based on ACMG/AMP sequence variant interpretation guidelines (Richards et al. 2015 PMID: 25741868, with internal and published modifications).